The following is an entry in ClinVar:

NM_003597.5(KLF11):c.437C>T (p.Ala146Val)

Gene: KLF11 (KLF transcription factor 11; plus strand). Cytogenetic location: 2p25.1.
Variant type: single nucleotide variant.
Coding change: c.437C>T on transcript NM_003597.5 (MANE Select); coding-DNA position 437, C replaced by T.
Protein change: p.Ala146Val; replaces alanine 146 with valine.
Molecular consequence: missense variant.
Genome position (GRCh38, 1-based): chr2:10,047,774, C>T. VCF-style: chr2-10047774-C-T. GRCh37 (hg19) VCF-style: chr2-10187901-C-T.
Other names: c.386C>T, p.Ala129Val (NM_001177716.2, NM_001177718.2); c.437C>T (NM_003597.4); short protein forms A146V, A129V.
Identifiers: ClinVar variation 1430360 (VCV001430360.9), dbSNP rs148968483, ClinGen allele CA1525511.

ClinVar aggregate classification (germline): Uncertain significance. Review status: criteria provided, multiple submitters, no conflicts (2 of 4 stars). 3 submissions from 3 submitters: Uncertain significance (3). Last evaluated 2024-07-17.

Conditions:
Maturity-onset diabetes of the young type 7 (MODY7). Identifiers: Orphanet 552, MedGen C1864839, MONDO:0012513, OMIM 610508.

Allele frequency attached by ClinVar (database versions not stated): gnomAD exomes 0.00004 and 0.00005; ExAC 0.00005; ESP Exome Variant Server 0.00015; gnomAD 0.00015 and 0.00017; 1000 Genomes Project 30x 0.00016; 1000 Genomes Project 0.00020; TOPMed 0.00037.
gnomAD v4.1: 95 of 1,613,724 alleles (0.0059%); highest among the groups gnomAD compares: Admixed American, 0.045%; no homozygotes.

Submissions (3):

Ambry Genetics
Classification: Uncertain significance. Last evaluated: 2024-07-17. Review status: criteria provided, single submitter. Criteria: Ambry Variant Classification Scheme 2023. Collection method: clinical testing. Allele origin: germline.

Labcorp Genetics (formerly Invitae), Labcorp
Classification: Uncertain significance. Last evaluated: 2023-11-12. Review status: criteria provided, single submitter. Criteria: Invitae Variant Classification Sherloc (09022015). Collection method: clinical testing. Allele origin: germline.
Comment: This sequence change replaces alanine, which is neutral and non-polar, with valine, which is neutral and non-polar, at codon 146 of the KLF11 protein (p.Ala146Val). This variant is present in population databases (rs148968483, gnomAD 0.006%). This variant has not been reported in the literature in individuals affected with KLF11-related conditions. ClinVar contains an entry for this variant (Variation ID: 1430360). Algorithms developed to predict the effect of missense changes on protein structure and function output the following: SIFT: "Not Available"; PolyPhen-2: "Benign"; Align-GVGD: "Not Available". The valine amino acid residue is found in multiple mammalian species, which suggests that this missense change does not adversely affect protein function. Algorithms developed to predict the effect of sequence changes on RNA splicing suggest that this variant may create or strengthen a splice site. In summary, the available evidence is currently insufficient to determine the role of this variant in disease. Therefore, it has been classified as a Variant of Uncertain Significance.

Fulgent Genetics
Classification: Uncertain significance for Maturity-onset diabetes of the young type 7. Last evaluated: 2022-05-18. Review status: criteria provided, single submitter. Criteria: ACMG Guidelines, 2015. Collection method: clinical testing. Allele origin: unknown.